The following is an entry in ClinVar:

ClinVar aggregate classification (germline): Uncertain significance (1 of 4 stars; one submission).

gnomAD v4.1: 1 of 1,588,768 alleles (0.000063%); highest among the groups gnomAD compares: Non-Finnish European, 0.000086%; no homozygotes.

Submission:

Labcorp Genetics (formerly Invitae), Labcorp
Classification: Uncertain significance. Last evaluated: 2025-09-05. Review status: criteria provided, single submitter. Criteria: Invitae Variant Classification Sherloc (09022015). Collection method: clinical testing. Allele origin: germline.
Comment: This sequence change affects codon 11 of the GPR45 mRNA. It is a 'silent' change, meaning that it does not change the encoded amino acid sequence of the GPR45 protein. This variant is not present in population databases (gnomAD no frequency). This variant has not been reported in the literature in individuals affected with GPR45-related conditions. In summary, the available evidence is currently insufficient to determine the role of this variant in disease. Therefore, it has been classified as a Variant of Uncertain Significance.

NM_007227.3(GPR45):c.33C>T (p.Tyr11=)

Gene: GPR45 (G protein-coupled receptor 45; plus strand). Cytogenetic location: 2q12.1.
Variant type: single nucleotide variant.
Coding change: c.33C>T on transcript NM_007227.3 (MANE Select); coding-DNA position 33, C replaced by T.
Protein change: p.Tyr11=; no amino-acid change (tyrosine 11 retained).
Molecular consequence: synonymous variant.
Genome position (GRCh38, 1-based): chr2:105,241,891, C>T. VCF-style: chr2-105241891-C-T. GRCh37 (hg19) VCF-style: chr2-105858348-C-T.
Identifiers: ClinVar variation 4744244 (VCV004744244.1).